The following is an entry in ClinVar:

ClinVar aggregate classification (germline): Uncertain significance (1 of 4 stars; one submission).

Allele frequency attached by ClinVar (database versions not stated): TOPMed below 0.00001; gnomAD exomes below 0.00001.
gnomAD v4.1: 2 of 1,609,790 alleles (0.00012%); highest among the groups gnomAD compares: Non-Finnish European, 0.00017%; no homozygotes.

Submission:

Labcorp Genetics (formerly Invitae), Labcorp
Classification: Uncertain significance. Last evaluated: 2021-03-10. Review status: criteria provided, single submitter. Criteria: Invitae Variant Classification Sherloc (09022015). Collection method: clinical testing. Allele origin: germline.
Comment: In summary, the available evidence is currently insufficient to determine the role of this variant in disease. Therefore, it has been classified as a Variant of Uncertain Significance. Nucleotide substitutions within the consensus splice site are a relatively common cause of aberrant splicing (PMID: 17576681, 9536098). Experimental studies and prediction algorithms are not available or were not evaluated, and the effect of this variant on mRNA splicing is currently unknown. This variant has not been reported in the literature in individuals with COL18A1-related conditions. This variant is not present in population databases (ExAC no frequency). This sequence change falls in intron 13 of the COL18A1 gene. It does not directly change the encoded amino acid sequence of the COL18A1 protein. It affects a nucleotide within the consensus splice site of the intron.

Literature cited by the submitters: PubMed 17576681; PubMed 9536098.

NM_001379500.1(COL18A1):c.1611+3A>G

Gene: COL18A1 (collagen type XVIII alpha 1 chain; plus strand). Cytogenetic location: 21q22.3.
Variant type: single nucleotide variant.
Coding change: c.1611+3A>G on transcript NM_001379500.1 (MANE Select); 3 bases into the intron after coding-DNA position 1611, A replaced by G.
Molecular consequence: intron variant.
Genome position (GRCh38, 1-based): chr21:45,480,861, A>G. VCF-style: chr21-45480861-A-G. GRCh37 (hg19) VCF-style: chr21-46900775-A-G.
Other names: c.2856+3A>G (NM_130444.3); c.2151+3A>G (NM_030582.4).
Identifiers: ClinVar variation 1443901 (VCV001443901.6), dbSNP rs896948898, ClinGen allele CA321917460.
Genomic context (GRCh38, chr21:45,480,861, plus strand): 5'-CGCCGGCCTTCCTGGTGTGCCTGGGCGCGAGGGTCCCCCCGGGTTTCCTGGCCTCCCGGT[A>G]AGTCCTGCCTCCACCGTCAGTGTCGGGAGCCCTGTCTGCTGGGAGTGAGGGGTGAACACC-3'